The following is an entry in ClinVar:

ClinVar aggregate classification (germline): Pathogenic (1 of 4 stars; one submission).

gnomAD v4.1: 1 of 1,588,920 alleles (0.000063%); highest among the groups gnomAD compares: Non-Finnish European, 0.000086%; no homozygotes.

Submission:

GeneDx
Classification: Pathogenic. Last evaluated: 2025-01-29. Review status: criteria provided, single submitter. Criteria: GeneDx Variant Classification Process June 2021. Collection method: clinical testing. Allele origin: germline. Affected: yes.
Comment: Reported as a rare variant in a cohort of Parkinson's disease cases and controls in published literature (PMID: 39147844); Nonsense variant predicted to result in protein truncation or nonsense mediated decay in a gene for which loss of function is a known mechanism of disease; Not observed at significant frequency in large population cohorts (gnomAD); This variant is associated with the following publications: (PMID: 39147844)

NM_003024.3(ITSN1):c.1651C>T (p.Gln551Ter)

Gene: ITSN1 (intersectin 1; plus strand). Cytogenetic location: 21q22.11.
Variant type: single nucleotide variant.
Coding change: c.1651C>T on transcript NM_003024.3 (MANE Select); coding-DNA position 1651, C replaced by T.
Protein change: p.Gln551Ter; replaces glutamine 551 with a stop codon.
Molecular consequence: nonsense.
Genome position (GRCh38, 1-based): chr21:33,781,515, C>T. VCF-style: chr21-33781515-C-T. GRCh37 (hg19) VCF-style: chr21-35153819-C-T.
Other names: c.1651C>T, p.Gln551Ter (NM_001001132.2, NM_001331008.2, NM_001331009.2 and 2 more transcripts); c.1540C>T, p.Gln514Ter (NM_001331012.2); short protein forms Q514*, Q551*.
Identifiers: ClinVar variation 4072679 (VCV004072679.1).